The following is an entry in ClinVar:

NM_003265.3(TLR3):c.343del (p.Ser115fs)

Gene: TLR3 (toll like receptor 3; plus strand). Cytogenetic location: 4q35.1.
Variant type: Deletion.
Coding change: c.343del on transcript NM_003265.3 (MANE Select); coding-DNA position 343, one base deleted (T; older notation c.343delT).
Protein change: p.Ser115fs; shifts the reading frame from serine 115.
Molecular consequence: frameshift variant.
Genome position (GRCh38, 1-based): chr4:186,076,962, T deleted; the last of 3 consecutive T bases (chr4:186,076,960-186,076,962); deleting any one gives the same sequence. VCF-style (leftmost placement, unchanged base first): chr4-186076959-CT-C. GRCh37 (hg19) VCF-style: chr4-186998113-CT-C.
Other names: short protein forms S115fs.
Identifiers: ClinVar variation 963555 (VCV000963555.8), dbSNP rs2099302550, ClinGen allele CA1139658716.

ClinVar aggregate classification (germline): Uncertain significance (1 of 4 stars; one submission).

Conditions:
Encephalopathy, acute, infection-induced (herpes-specific), susceptibility to, 1. Also called: Herpes simplex encephalitis, susceptibility to, 1. Identifiers: Orphanet 1930, MedGen C2750180, MONDO:0024563, OMIM 610551.

Submission:

Labcorp Genetics (formerly Invitae), Labcorp
Classification: Uncertain significance for Encephalopathy, acute, infection-induced (herpes-specific), susceptibility to, 1. Last evaluated: 2019-10-12. Review status: criteria provided, single submitter. Criteria: Invitae Variant Classification Sherloc (09022015). Collection method: clinical testing. Allele origin: germline.
Comment: This variant has not been reported in the literature in individuals with TLR3-related conditions. In summary, the available evidence is currently insufficient to determine the role of this variant in disease. Therefore, it has been classified as a Variant of Uncertain Significance. The current clinical and genetic evidence is not sufficient to establish whether loss-of-function variants in TLR3 cause disease. This variant is not present in population databases (ExAC no frequency). This sequence change creates a premature translational stop signal (p.Ser115Leufs*11) in the TLR3 gene. It is expected to result in an absent or disrupted protein product.